The following is an entry in ClinVar:

NM_000744.7(CHRNA4):c.1489G>A (p.Asp497Asn)

Gene: CHRNA4 (cholinergic receptor nicotinic alpha 4 subunit; minus strand). Cytogenetic location: 20q13.33.
Variant type: single nucleotide variant.
Coding change: c.1489G>A on transcript NM_000744.7 (MANE Select); coding-DNA position 1489, G replaced by A.
Protein change: p.Asp497Asn; replaces aspartic acid 497 with asparagine.
Molecular consequence: missense variant. On other transcripts: non-coding transcript variant (1).
Genome position (GRCh38, 1-based): chr20:63,349,922, C>T on the plus strand (G>A on the coding strand, the complement: CHRNA4 is on the minus strand). VCF-style: chr20-63349922-C-T. GRCh37 (hg19) VCF-style: chr20-61981274-C-T.
Other names: c.961G>A, p.Asp321Asn (NM_001256573.2); short protein forms D497N, D321N.
Identifiers: ClinVar variation 2913479 (VCV002913479.3), dbSNP rs1356056029, ClinGen allele CA409633369.

ClinVar aggregate classification (germline): Uncertain significance (1 of 4 stars; one submission).

Conditions:
Familial sleep-related hypermotor epilepsy. Also called: Autosomal Dominant Sleep-Related Hypermotor (Hyperkinetic) Epilepsy. Identifiers: Orphanet 98784, MedGen C3696898, MONDO:0000030.

Allele frequency attached by ClinVar (database versions not stated): gnomAD exomes 0.00001; gnomAD 0.00001.
gnomAD v4.1: 10 of 1,591,434 alleles (0.00063%); highest among the groups gnomAD compares: African/African-American, 0.0013%; no homozygotes.

Submission:

Labcorp Genetics (formerly Invitae), Labcorp
Classification: Uncertain significance. Last evaluated: 2025-05-17. Review status: criteria provided, single submitter. Criteria: Invitae Variant Classification Sherloc (09022015). Collection method: clinical testing. Allele origin: germline.
Comment: This sequence change replaces aspartic acid, which is acidic and polar, with asparagine, which is neutral and polar, at codon 497 of the CHRNA4 protein (p.Asp497Asn). This variant is present in population databases (no rsID available, gnomAD 0.004%). This variant has not been reported in the literature in individuals affected with CHRNA4-related conditions. ClinVar contains an entry for this variant (Variation ID: 2913479). Invitae Evidence Modeling of protein sequence and biophysical properties (such as structural, functional, and spatial information, amino acid conservation, physicochemical variation, residue mobility, and thermodynamic stability) indicates that this missense variant is not expected to disrupt CHRNA4 protein function with a negative predictive value of 80%. In summary, the available evidence is currently insufficient to determine the role of this variant in disease. Therefore, it has been classified as a Variant of Uncertain Significance.